The following is an entry in ClinVar:

ClinVar aggregate classification (germline): Uncertain significance (1 of 4 stars; one submission).

Conditions:
Familial adenomatous polyposis 1 (FAP1). Also called: FAMILIAL ADENOMATOUS POLYPOSIS 1, ATTENUATED; POLYPOSIS, ADENOMATOUS INTESTINAL. Identifiers: MedGen C2713442, MONDO:0021056, OMIM 175100. Disease mechanism: loss of function.

Submission:

Labcorp Genetics (formerly Invitae), Labcorp
Classification: Uncertain significance for Familial adenomatous polyposis 1. Last evaluated: 2022-02-17. Review status: criteria provided, single submitter. Criteria: Invitae Variant Classification Sherloc (09022015). Collection method: clinical testing. Allele origin: germline.
Comment: Algorithms developed to predict the effect of missense changes on protein structure and function are either unavailable or do not agree on the potential impact of this missense change (SIFT: "Deleterious"; PolyPhen-2: "Benign"; Align-GVGD: "Class C0"). In summary, the available evidence is currently insufficient to determine the role of this variant in disease. Therefore, it has been classified as a Variant of Uncertain Significance. This variant has not been reported in the literature in individuals affected with APC-related conditions. This variant is not present in population databases (gnomAD no frequency). This sequence change replaces leucine, which is neutral and non-polar, with valine, which is neutral and non-polar, at codon 478 of the APC protein (p.Leu478Val).

NM_000038.6(APC):c.1432T>G (p.Leu478Val)

Gene: APC (APC regulator of Wnt signaling pathway; plus strand). Cytogenetic location: 5q22.2.
Variant type: single nucleotide variant.
Coding change: c.1432T>G on transcript NM_000038.6 (MANE Select); coding-DNA position 1432, T replaced by G.
Protein change: p.Leu478Val; replaces leucine 478 with valine.
Molecular consequence: missense variant.
Genome position (GRCh38, 1-based): chr5:112,827,131, T>G. VCF-style: chr5-112827131-T-G. GRCh37 (hg19) VCF-style: chr5-112162828-T-G.
Other names: c.1432T>G, p.Leu478Val (NM_001127510.3, NM_001354895.2, NM_001407450.1); c.1378T>G, p.Leu460Val (NM_001127511.3); c.1486T>G, p.Leu496Val (NM_001354896.2, NM_001407447.1, NM_001407448.1 and 1 more transcripts); c.1462T>G, p.Leu488Val (NM_001354897.2); c.1357T>G, p.Leu453Val (NM_001354898.2); c.1348T>G, p.Leu450Val (NM_001354899.2); c.1309T>G, p.Leu437Val (NM_001354900.2); c.1255T>G, p.Leu419Val (NM_001354901.2, NM_001407453.1); and 11 more; short protein forms L352V, L387V, L419V, L437V, L450V, L468V, L478V, L318V.
Identifiers: ClinVar variation 2098175 (VCV002098175.4), dbSNP rs1412689546, ClinGen allele CA16024441.